The following is an entry in ClinVar:

NM_012452.3(TNFRSF13B):c.679G>T (p.Val227Leu)

Gene: TNFRSF13B (TNF receptor superfamily member 13B; minus strand). Cytogenetic location: 17p11.2.
Variant type: single nucleotide variant.
Coding change: c.679G>T on transcript NM_012452.3 (MANE Select); coding-DNA position 679, G replaced by T.
Protein change: p.Val227Leu; replaces valine 227 with leucine.
Molecular consequence: missense variant.
Genome position (GRCh38, 1-based): chr17:16,939,750, C>A on the plus strand (G>T on the coding strand, the complement: TNFRSF13B is on the minus strand). VCF-style: chr17-16939750-C-A. GRCh37 (hg19) VCF-style: chr17-16843064-C-A.
Other names: short protein forms V227L.
Identifiers: ClinVar variation 5021081 (VCV005021081.1).

ClinVar aggregate classification (germline): Uncertain significance (1 of 4 stars; one submission).

Submission:

Dasa
Classification: Uncertain significance. Last evaluated: 2024-08-20. Review status: criteria provided, single submitter. Criteria: DASA Assertion Criteria. Collection method: clinical testing. Allele origin: germline.
Comment: NM_012452.3(TNFRSF13B):c.679G>T (p.Val227Leu) is a missense variant that results in the substitution of valine with leucine. This variant is absent from population databases. Computational prediction algorithms are consistent with a benign effect. The currently available literature and clinical evidence are not sufficient to establish a definitive association between this variant and the reported condition. Therefore, this variant is classified as a variant of uncertain significance.